The following is an entry in ClinVar:

NM_014915.3(ANKRD26):c.1736A>G (p.Asp579Gly)

Gene: ANKRD26 (ankyrin repeat domain containing 26; minus strand). Cytogenetic location: 10p12.1.
Variant type: single nucleotide variant.
Coding change: c.1736A>G on transcript NM_014915.3 (MANE Select); coding-DNA position 1736, A replaced by G.
Protein change: p.Asp579Gly; replaces aspartic acid 579 with glycine.
Molecular consequence: missense variant.
Genome position (GRCh38, 1-based): chr10:27,048,879, T>C on the plus strand (A>G on the coding strand, the complement: ANKRD26 is on the minus strand). VCF-style: chr10-27048879-T-C. GRCh37 (hg19) VCF-style: chr10-27337808-T-C.
Other names: c.1736A>G, p.Asp579Gly (NM_001256053.2); short protein forms D579G.
Identifiers: ClinVar variation 2315359 (VCV002315359.3), dbSNP rs2538896012, ClinGen allele CA376353905.

ClinVar aggregate classification (germline): Uncertain significance (1 of 4 stars; one submission).

Conditions:
Inborn genetic diseases. Identifiers: MedGen C0950123, MeSH D030342.

Allele frequency attached by ClinVar (database versions not stated): gnomAD exomes below 0.00001.
gnomAD v4.1: 1 of 1,606,006 alleles (0.000062%); highest among the groups gnomAD compares: Non-Finnish European, 0.000085%; no homozygotes.

Submission:

Ambry Genetics
Classification: Uncertain significance for Inborn genetic diseases. Last evaluated: 2025-09-12. Review status: criteria provided, single submitter. Criteria: Ambry Variant Classification Scheme 2023. Collection method: clinical testing. Allele origin: germline.
Comment: The p.D579G variant (also known as c.1736A>G), located in coding exon 17 of the ANKRD26 gene, results from an A to G substitution at nucleotide position 1736. The aspartic acid at codon 579 is replaced by glycine, an amino acid with similar properties. This amino acid position is conserved. In addition, this alteration is predicted to be tolerated by in silico analysis. Based on the available evidence, the clinical significance of this variant remains unclear.